The following is an entry in ClinVar:

ClinVar aggregate classification (germline): Uncertain significance (1 of 4 stars; one submission).

gnomAD v4.1: 3 of 1,614,174 alleles (0.00019%); highest among the groups gnomAD compares: Non-Finnish European, 0.00025%; no homozygotes.

Submission:

Women's Health and Genetics/Laboratory Corporation of America, LabCorp
Classification: Uncertain significance. Last evaluated: 2025-05-28. Review status: criteria provided, single submitter. Criteria: LabCorp Variant Classification Summary - May 2015. Collection method: clinical testing. Allele origin: germline.
Comment: Variant summary: ERCC6 c.884C>T (p.Ala295Val) results in a non-conservative amino acid change in the encoded protein sequence. Algorithms developed to predict the effect of missense changes on protein structure and function are either unavailable or do not agree on the potential impact of this missense change. The variant was absent in 250946 control chromosomes. The available data on variant occurrences in the general population are insufficient to allow any conclusion about variant significance. To our knowledge, no occurrence of c.884C>T in individuals affected with Cerebrooculofacioskeletal Syndrome 1 and no experimental evidence demonstrating its impact on protein function have been reported. No submitters have cited clinical-significance assessments for this variant to ClinVar. Based on the evidence outlined above, the variant was classified as uncertain significance.

NM_000124.4(ERCC6):c.884C>T (p.Ala295Val)

Gene: ERCC6 (ERCC excision repair 6, chromatin remodeling factor; minus strand). Cytogenetic location: 10q11.23.
Variant type: single nucleotide variant.
Coding change: c.884C>T on transcript NM_000124.4 (MANE Select); coding-DNA position 884, C replaced by T.
Protein change: p.Ala295Val; replaces alanine 295 with valine.
Molecular consequence: missense variant.
Genome position (GRCh38, 1-based): chr10:49,524,546, G>A on the plus strand (C>T on the coding strand, the complement: ERCC6 is on the minus strand). VCF-style: chr10-49524546-G-A. GRCh37 (hg19) VCF-style: chr10-50732592-G-A.
Other names: c.884C>T, p.Ala295Val (NM_001277058.2, NM_001277059.2, NM_001346440.2); short protein forms A295V.
Identifiers: ClinVar variation 3902618 (VCV003902618.1).
Genomic context (GRCh38, chr10:49,524,546, plus strand): 5'-TTTGGTTTGTTTTTATTTTGCACTGGGGCTGGAGGCGTGACTGGGGCTGGAGCTTTTCTA[G>A]CTGCTCTTTTATTACAACCTTGCTTCTTCCTTTCAAAAGACAGTTTTGCTTGATCTGCCA-3'
Protein context (NP_000115.1, residues 285-305): RKKQGCNKRA[Ala295Val]RKAPAPVTPP